The following is an entry in ClinVar:

NM_000051.4(ATM):c.1943T>C (p.Val648Ala)

Gene: ATM (ATM serine/threonine kinase; plus strand). Cytogenetic location: 11q22.3.
Variant type: single nucleotide variant.
Coding change: c.1943T>C on transcript NM_000051.4 (MANE Select); coding-DNA position 1943, T replaced by C.
Protein change: p.Val648Ala; replaces valine 648 with alanine.
Molecular consequence: missense variant.
Genome position (GRCh38, 1-based): chr11:108,253,858, T>C. VCF-style: chr11-108253858-T-C. GRCh37 (hg19) VCF-style: chr11-108124585-T-C.
Other names: c.1943T>C, p.Val648Ala (NM_001351834.2); short protein forms V648A.
Identifiers: ClinVar variation 216193 (VCV000216193.32), dbSNP rs141175037, ClinGen allele CA335930.

ClinVar aggregate classification (germline): Conflicting classifications of pathogenicity. Review status: criteria provided, conflicting classifications (1 of 4 stars). 9 submissions from 9 submitters: Uncertain significance (6); Likely benign (1). 2 of the submissions do not count toward it. Last evaluated 2026-02-20.

Conditions:
Hereditary cancer-predisposing syndrome. Also called: Tumor predisposition; Hereditary Cancer Syndrome; Neoplastic Syndromes, Hereditary; Hereditary neoplastic syndrome. Identifiers: Orphanet 140162, MedGen C0027672, MeSH D009386, MONDO:0015356.
Ataxia-telangiectasia syndrome (AT). Also called: Cerebello-oculocutaneous telangiectasia; Immunodeficiency with ataxia telangiectasia; Ataxia telangiectasia (A-T); LOUIS-BAR SYNDROME; ATAXIA-TELANGIECTASIA, COMPLEMENTATION GROUP A; ATAXIA-TELANGIECTASIA, FRESNO VARIANT. Identifiers: Orphanet 100, MedGen C0004135, MONDO:0008840, OMIM 208900.
Familial cancer of breast. Also called: Hereditary breast cancer; BREAST CANCER, FAMILIAL; hereditary breast carcinoma. Identifiers: Orphanet 227535, MedGen C0346153, MONDO:0016419, OMIM 114480. Disease mechanism: loss of function.

Allele frequency attached by ClinVar (database versions not stated): gnomAD exomes 0.00002 and 0.00001; TOPMed 0.00002; gnomAD 0.00003; ESP Exome Variant Server 0.00015; ExAC 0.00001.
gnomAD v4.1: 15 of 1,613,846 alleles (0.00093%); highest among the groups gnomAD compares: Admixed American, 0.0017%; no homozygotes.

Submissions (9):

St. Jude Molecular Pathology, St. Jude Children's Research Hospital
Classification: Uncertain significance for Familial cancer of breast. Last evaluated: 2026-02-20. Review status: criteria provided, single submitter. Criteria: St. Jude Assertion Criteria 2020. Collection method: clinical testing. Allele origin: germline.
Comment: The ATM c.1943T>C p.(Val648Ala) missense change has a maximum subpopulation frequency of 0.004% in gnomAD v2.1.1. Algorithms that predict the im pact of sequence changes on splicing indicate that this change may impact splicing, but to our knowledge these predictions have not been confirmed by RNA studies. The in silico tool REVEL predicts a benign effect on protein function, but to our knowledge this prediction has not been confirmed by functional studies. This variant has been reported in an individual with breast cancer (PMID: 29522266). To our knowledge, this variant has not been reported in individuals with ataxia telangiectasia. In summary , the evidence currently available is insufficient to determine the clinical significance of this variant. It has therefore been classified as of uncertain significance.

Labcorp Genetics (formerly Invitae), Labcorp
Classification: Uncertain significance for Ataxia-telangiectasia syndrome. Last evaluated: 2026-01-25. Review status: criteria provided, single submitter. Criteria: Invitae Variant Classification Sherloc (09022015). Collection method: clinical testing. Allele origin: germline.
Comment: This sequence change replaces valine, which is neutral and non-polar, with alanine, which is neutral and non-polar, at codon 648 of the ATM protein (p.Val648Ala). This variant is present in population databases (rs141175037, gnomAD 0.004%). This missense change has been observed in individual(s) with breast cancer (PMID: 29522266). ClinVar contains an entry for this variant (Variation ID: 216193). Invitae Evidence Modeling of protein sequence and biophysical properties (such as structural, functional, and spatial information, amino acid conservation, physicochemical variation, residue mobility, and thermodynamic stability) indicates that this missense variant is not expected to disrupt ATM protein function with a negative predictive value of 95%. RNA analysis performed to evaluate the impact of this missense change on mRNA splicing indicates it does not significantly alter splicing (internal data). In summary, the available evidence is currently insufficient to determine the role of this variant in disease. Therefore, it has been classified as a Variant of Uncertain Significance.

Baylor Genetics
Classification: Uncertain significance for Familial cancer of breast. Last evaluated: 2023-10-26. Review status: criteria provided, single submitter. Criteria: ACMG Guidelines, 2015. Collection method: clinical testing. Allele origin: unknown.

Ambry Genetics
Classification: Likely benign for Hereditary cancer-predisposing syndrome. Last evaluated: 2023-09-25. Review status: criteria provided, single submitter. Criteria: Ambry Variant Classification Scheme 2023. Collection method: clinical testing. Allele origin: germline.

GeneDx
Classification: Uncertain significance. Last evaluated: 2023-06-22. Review status: criteria provided, single submitter. Criteria: GeneDx Variant Classification Process June 2021. Collection method: clinical testing. Allele origin: germline. Affected: yes.
Comment: Not observed at significant frequency in large population cohorts (gnomAD); In silico analysis supports that this missense variant does not alter protein structure/function; In silico analysis suggests this variant may impact gene splicing. In the absence of RNA/functional studies, the actual effect of this sequence change is unknown; Observed in a patient with breast cancer (Hauke et al., 2018); This variant is associated with the following publications: (PMID: 29522266, 28652578)

Color Diagnostics, LLC DBA Color Health
Classification: Uncertain significance for Hereditary cancer-predisposing syndrome. Last evaluated: 2021-09-16. Review status: criteria provided, single submitter. Criteria: ACMG Guidelines, 2015. Collection method: clinical testing. Allele origin: germline.
Comment: This missense variant replaces valine with alanine at codon 648 of the ATM protein. Computational prediction suggests that this variant may not impact protein structure and function (internally defined REVEL score threshold <= 0.5, PMID: 27666373). To our knowledge, functional studies have not been reported for this variant. This variant has been reported in an individual affected with breast cancer (PMID: 29522266). This variant has been identified in 6/282630 chromosomes in the general population by the Genome Aggregation Daatabase (gnomAD). The available evidence is insufficient to determine the role of this variant in disease conclusively. Therefore, this variant is classified as a Variant of Uncertain Significance.

Women's Health and Genetics/Laboratory Corporation of America, LabCorp
Classification: Uncertain significance. Last evaluated: 2020-08-04. Review status: criteria provided, single submitter. Criteria: LabCorp Variant Classification Summary - May 2015. Collection method: clinical testing. Allele origin: germline.
Comment: Variant summary: ATM c.1943T>C (p.Val648Ala) results in a non-conservative amino acid change in the encoded protein sequence. Four of five in-silico tools predict a benign effect of the variant on protein function. The variant allele was found at a frequency of 2e-05 in 251240 control chromosomes. The available data on variant occurrences in the general population are insufficient to allow any conclusion about variant significance. c.1943T>C has been reported in the literature in a healthy control individual (Tiao 2017). This report does not provide unequivocal conclusions about association of the variant with disease. To our knowledge, no experimental evidence demonstrating an impact on protein function has been reported. Five clinical diagnostic laboratories have submitted clinical-significance assessments for this variant to ClinVar after 2014 without evidence for independent evaluation. All laboratories classified the variant as uncertain significance. Based on the evidence outlined above, the variant was classified as uncertain significance.

Natera, Inc.
Classification: Uncertain significance for Ataxia-telangiectasia. Last evaluated: 2020-02-13. Review status: no assertion criteria provided. Collection method: clinical testing. Allele origin: germline. Not counted in ClinVar's aggregate classification.

Counsyl
Classification: Uncertain significance for Ataxia-telangiectasia syndrome. Last evaluated: 2016-12-22. Review status: no assertion criteria provided. Collection method: clinical testing. Allele origin: unknown. Not counted in ClinVar's aggregate classification.

Literature cited by the submitters: PubMed 29522266 (cited by 3 submitters); PubMed 28652578 (cited by Ambry Genetics and Women's Health and Genetics/Laboratory Corporation of America, LabCorp).